The following is an entry in ClinVar:

NM_020778.5(ALPK3):c.5001C>G (p.Thr1667=)

Gene: ALPK3 (alpha kinase 3; plus strand). Cytogenetic location: 15q25.3.
Variant type: single nucleotide variant.
Coding change: c.5001C>G on transcript NM_020778.5 (MANE Select); coding-DNA position 5001, C replaced by G.
Protein change: p.Thr1667=; no amino-acid change (threonine 1667 retained).
Molecular consequence: synonymous variant.
Genome position (GRCh38, 1-based): chr15:84,868,339, C>G. VCF-style: chr15-84868339-C-G. GRCh37 (hg19) VCF-style: chr15-85411570-C-G.
Identifiers: ClinVar variation 1198317 (VCV001198317.10), dbSNP rs200351712, ClinGen allele CA7710135.

ClinVar aggregate classification (germline): Likely benign. Review status: criteria provided, multiple submitters, no conflicts (2 of 4 stars). 4 submissions from 4 submitters: Likely benign (4). Last evaluated 2026-07-07.

Conditions:
Cardiovascular phenotype. Identifiers: MedGen CN230736.
ALPK3-related disorder. Also called: ALPK3-related condition.

Allele frequency attached by ClinVar (database versions not stated): gnomAD 0.00002; gnomAD exomes 0.00002 and 0.00004; TOPMed 0.00003; ExAC 0.00004; ESP Exome Variant Server 0.00008.
gnomAD v4.1: 32 of 1,614,016 alleles (0.002%); highest among the groups gnomAD compares: Non-Finnish European, 0.00042%; no homozygotes.

Submissions (4):

PreventionGenetics, part of Exact Sciences
Classification: Likely benign for ALPK3-related condition. Last evaluated: 2026-07-07. Review status: criteria provided, single submitter. Criteria: ACMG Guidelines, 2015. Collection method: clinical testing. Allele origin: germline.
Comment: This variant is classified as likely benign based on ACMG/AMP sequence variant interpretation guidelines (Richards et al. 2015 PMID: 25741868, with internal and published modifications).

Labcorp Genetics (formerly Invitae), Labcorp
Classification: Likely benign. Last evaluated: 2025-08-29. Review status: criteria provided, single submitter. Criteria: Invitae Variant Classification Sherloc (09022015). Collection method: clinical testing. Allele origin: germline.

GeneDx
Classification: Likely benign. Last evaluated: 2020-12-07. Review status: criteria provided, single submitter. Criteria: GeneDx Variant Classification Process June 2021. Collection method: clinical testing. Allele origin: germline. Affected: yes.

Ambry Genetics
Classification: Likely benign for Cardiovascular phenotype. Last evaluated: 2019-07-08. Review status: criteria provided, single submitter. Criteria: Ambry Variant Classification Scheme 2023. Collection method: clinical testing. Allele origin: germline.